The following is an entry in ClinVar:

NM_005530.3(IDH3A):c.905C>T (p.Ala302Val)

Gene: IDH3A (isocitrate dehydrogenase (NAD(+)) 3 catalytic subunit alpha; plus strand). Cytogenetic location: 15q25.1.
Variant type: single nucleotide variant.
Coding change: c.905C>T on transcript NM_005530.3 (MANE Select); coding-DNA position 905, C replaced by T.
Protein change: p.Ala302Val; replaces alanine 302 with valine.
Molecular consequence: missense variant.
Genome position (GRCh38, 1-based): chr15:78,166,190, C>T. VCF-style: chr15-78166190-C-T. GRCh37 (hg19) VCF-style: chr15-78458532-C-T.
Other names: short protein forms A302V.
Identifiers: ClinVar variation 3615644 (VCV003615644.2).
Genomic context (GRCh38, chr15:78,166,190, plus strand): 5'-CTACTTTTCCCGATGTGTAGGTTCATGGGACGGCTCCAGACATTGCAGGCAAGGACATGG[C>T]GAATCCCACAGCCCTCCTGCTCAGTGCCGTGATGATGCTGCGCCACATGGGACTTTTTGA-3'
Protein context (NP_005521.1, residues 292-312): TAPDIAGKDM[Ala302Val]NPTALLLSAV

ClinVar aggregate classification (germline): Uncertain significance (1 of 4 stars; one submission).

gnomAD v4.1: 3 of 1,613,984 alleles (0.00019%); highest among the groups gnomAD compares: African/African-American, 0.0027%; no homozygotes.

Submission:

Labcorp Genetics (formerly Invitae), Labcorp
Classification: Uncertain significance. Last evaluated: 2024-10-13. Review status: criteria provided, single submitter. Criteria: Invitae Variant Classification Sherloc (09022015). Collection method: clinical testing. Allele origin: germline.
Comment: This sequence change replaces alanine, which is neutral and non-polar, with valine, which is neutral and non-polar, at codon 302 of the IDH3A protein (p.Ala302Val). This variant is present in population databases (no rsID available, gnomAD 0.01%). This variant has not been reported in the literature in individuals affected with IDH3A-related conditions. Invitae Evidence Modeling of protein sequence and biophysical properties (such as structural, functional, and spatial information, amino acid conservation, physicochemical variation, residue mobility, and thermodynamic stability) indicates that this missense variant is not expected to disrupt IDH3A protein function with a negative predictive value of 80%. In summary, the available evidence is currently insufficient to determine the role of this variant in disease. Therefore, it has been classified as a Variant of Uncertain Significance.